The following is an entry in ClinVar:

ClinVar aggregate classification (germline): Uncertain significance. Review status: criteria provided, multiple submitters, no conflicts (2 of 4 stars). 2 submissions from 2 submitters: Uncertain significance (2). Last evaluated 2025-08-26.

Conditions:
Inborn genetic diseases. Identifiers: MedGen C0950123, MeSH D030342.
Wiskott-Aldrich syndrome 2 (WAS2). Also called: WIPF1 DEFICIENCY. Identifiers: Orphanet 906, MedGen C3281001, MONDO:0013779, OMIM 614493.

Allele frequency attached by ClinVar (database versions not stated): TOPMed below 0.00001.

Submissions (2):

Ambry Genetics
Classification: Uncertain significance for Inborn genetic diseases. Last evaluated: 2025-08-26. Review status: criteria provided, single submitter. Criteria: Ambry Variant Classification Scheme 2023. Collection method: clinical testing. Allele origin: germline.

Labcorp Genetics (formerly Invitae), Labcorp
Classification: Uncertain significance for Wiskott-Aldrich syndrome 2. Last evaluated: 2022-02-08. Review status: criteria provided, single submitter. Criteria: Invitae Variant Classification Sherloc (09022015). Collection method: clinical testing. Allele origin: germline.
Comment: In summary, the available evidence is currently insufficient to determine the role of this variant in disease. Therefore, it has been classified as a Variant of Uncertain Significance. Algorithms developed to predict the effect of missense changes on protein structure and function are either unavailable or do not agree on the potential impact of this missense change (SIFT: "Not Available"; PolyPhen-2: "Probably Damaging"; Align-GVGD: "Not Available"). ClinVar contains an entry for this variant (Variation ID: 1006773). This variant has not been reported in the literature in individuals affected with WIPF1-related conditions. This variant is not present in population databases (gnomAD no frequency). This sequence change replaces glutamic acid, which is acidic and polar, with lysine, which is basic and polar, at codon 21 of the WIPF1 protein (p.Glu21Lys).

NM_001375834.1(WIPF1):c.61G>A (p.Glu21Lys)

Genes: WIPF1 (WAS/WASL interacting protein family member 1; minus strand), WIPF1-AS1 (WIPF1 and CHRNA1 antisense RNA 1; plus strand). Cytogenetic location: 2q31.1.
Variant type: single nucleotide variant.
Coding change: c.61G>A on transcript NM_001375834.1 (MANE Select); coding-DNA position 61, G replaced by A.
Protein change: p.Glu21Lys; replaces glutamic acid 21 with lysine.
Molecular consequence: missense variant.
Genome position (GRCh38, 1-based): chr2:174,581,430, C>T on the plus strand (G>A on the coding strand, the complement: WIPF1 is on the minus strand). VCF-style: chr2-174581430-C-T. GRCh37 (hg19) VCF-style: chr2-175446158-C-T.
Other names: c.61G>A, p.Glu21Lys (NM_001077269.1, NM_001375832.1, NM_001375833.1 and 6 more transcripts); short protein forms E21K.
Identifiers: ClinVar variation 1006773 (VCV001006773.10), dbSNP rs1685238274, ClinGen allele CA349687834.
Genomic context (GRCh38, chr2:174,581,430, plus strand): 5'-TGATATCAGAAAGGAGAGCATTTCTCCCAGCCTGCTCTGTCTTATTCAAGGTAGGCTTCT[C>T]TGTATTGGCCTGAAAGGGAGCCATACAAACAAGTAGTCATCTCTTGGGTTAAAATCATGC-3'
Protein context (NP_001362763.1, residues 11-31): PPPTFALANT[Glu21Lys]KPTLNKTEQA